The following is an entry in ClinVar:

NM_004006.3(DMD):c.5943G>A (p.Thr1981=)

Gene: DMD (dystrophin; minus strand). Cytogenetic location: Xp21.1.
Variant type: single nucleotide variant.
Coding change: c.5943G>A on transcript NM_004006.3 (MANE Select); coding-DNA position 5943, G replaced by A.
Protein change: p.Thr1981=; no amino-acid change (threonine 1981 retained).
Molecular consequence: synonymous variant.
Genome position (GRCh38, 1-based): chrX:32,310,256, C>T on the plus strand (G>A on the coding strand, the complement: DMD is on the minus strand). VCF-style: chrX-32310256-C-T. GRCh37 (hg19) VCF-style: chrX-32328373-C-T.
Other names: c.5919G>A, p.Thr1973= (NM_000109.4); c.5931G>A, p.Thr1977= (NM_004009.3); c.5574G>A, p.Thr1858= (NM_004010.3); c.1920G>A, p.Thr640= (NM_004011.4); c.1911G>A, p.Thr637= (NM_004012.4).
Identifiers: ClinVar variation 514028 (VCV000514028.12), dbSNP rs757497844, ClinGen allele CA10378561.
Genomic context (GRCh38, chrX:32,310,256, plus strand): 5'-CAAATAAGTAGAAGGCACATAAGAAATTTCCAAAGGCATGTCTTCAGTCATCACCATCAT[C>T]GTTTCTTCACGGACAGTGTGCTGGTATAGATATACAAAAGAACAATTTTTTTTAGCTTCC-3'
Protein context (NP_003997.2, residues 1971-1991): FAQIHTVREE[Thr1981=]MMVMTEDMPL

ClinVar aggregate classification (germline): Benign/Likely benign. Review status: criteria provided, multiple submitters, no conflicts (2 of 4 stars). 4 submissions from 4 submitters: Benign (1); Likely benign (2). 1 of the submissions does not count toward it. Last evaluated 2026-01-13.

Conditions:
Duchenne muscular dystrophy (DMD). Also called: MUSCULAR DYSTROPHY, PSEUDOHYPERTROPHIC PROGRESSIVE, DUCHENNE TYPE; Duchenne Muscular Dystrophy (DMD). Identifiers: Orphanet 98896, MedGen C0013264, MONDO:0010679, OMIM 310200.
Cardiovascular phenotype. Identifiers: MedGen CN230736.
Cardiomyopathy (CMYO). Also called: Cardiomyopathies. Identifiers: Orphanet 167848, MedGen C0878544, MONDO:0004994, HP:0001638. Inheritance: Various modes of inheritance.
Becker muscular dystrophy (BMD). Also called: MUSCULAR DYSTROPHY, PSEUDOHYPERTROPHIC PROGRESSIVE, BECKER TYPE; Becker Muscular Dystrophy (BMD). Identifiers: Orphanet 98895, MedGen C0917713, MONDO:0010311, OMIM 300376.
Dystrophin deficiency.

Allele frequency attached by ClinVar (database versions not stated): gnomAD 0.00001; gnomAD exomes 0.00001; TOPMed 0.00001; ExAC 0.00002.
gnomAD v4.1: 6 of 1,206,771 alleles (0.0005%); highest among the groups gnomAD compares: Non-Finnish European, 0.00056%; no homozygotes.

Submissions (4):

Labcorp Genetics (formerly Invitae), Labcorp
Classification: Benign for Duchenne muscular dystrophy. Last evaluated: 2026-01-13. Review status: criteria provided, single submitter. Criteria: Invitae Variant Classification Sherloc (09022015). Collection method: clinical testing. Allele origin: germline.

Ambry Genetics
Classification: Likely benign for Cardiovascular phenotype. Last evaluated: 2024-08-19. Review status: criteria provided, single submitter. Criteria: Ambry Variant Classification Scheme 2023. Collection method: clinical testing. Allele origin: germline.

GeneDx
Classification: Likely benign. Last evaluated: 2017-12-08. Review status: criteria provided, single submitter. Criteria: GeneDx Variant Classification (06012015). Collection method: clinical testing. Allele origin: germline. Affected: yes.
Comment: This variant is considered likely benign or benign based on one or more of the following criteria: it is a conservative change, it occurs at a poorly conserved position in the protein, it is predicted to be benign by multiple in silico algorithms, and/or has population frequency not consistent with disease.

Natera, Inc.
Classification: Likely benign for Becker muscular dystrophy; Cardiomyopathy; Duchenne muscular dystrophy; Dystrophin deficiency. Last evaluated: 2018-12-22. Review status: no assertion criteria provided. Collection method: clinical testing. Allele origin: germline. Not counted in ClinVar's aggregate classification.